The following is an entry in ClinVar:

ClinVar aggregate classification (germline): Conflicting classifications of pathogenicity. Review status: criteria provided, conflicting classifications (1 of 4 stars). 5 submissions from 5 submitters: Uncertain significance (1); Likely benign (4). Last evaluated 2026-04-27.

Conditions:
IL7R-related disorder. Also called: IL7R-related condition.
Immunodeficiency 104. Also called: IMMUNODEFICIENCY 104, SEVERE COMBINED; Severe combined immunodeficiency, autosomal recessive, T cell-negative, B cell-positive, NK cell-positive; Severe Combined Immune Deficiency, Autosomal Recessive, TCell -Negative, B Cell-Positive, NK Cell-Positive, IL7R-Related; SCID, AUTOSOMAL RECESSIVE, T CELL-NEGATIVE, B CELL-POSITIVE, NK CELL-POSITIVE. Identifiers: MedGen C5676890, MONDO:0012163, OMIM 608971.

Allele frequency attached by ClinVar (database versions not stated): 1000 Genomes Project 30x 0.00016; 1000 Genomes Project 0.00020; ESP Exome Variant Server 0.00023; gnomAD exomes 0.00028 and 0.00036; gnomAD 0.00031 and 0.00033; ExAC 0.00039; TOPMed 0.00040.
gnomAD v4.1: 473 of 1,611,536 alleles (0.029%); highest among the groups gnomAD compares: Middle Eastern, 0.54%; 1 homozygote.

Submissions (5):

PreventionGenetics, part of Exact Sciences
Classification: Likely benign for IL7R-related condition. Last evaluated: 2026-04-27. Review status: criteria provided, single submitter. Criteria: ACMG Guidelines, 2015. Collection method: clinical testing. Allele origin: germline.
Comment: This variant is classified as likely benign based on ACMG/AMP sequence variant interpretation guidelines (Richards et al. 2015 PMID: 25741868, with internal and published modifications).

Labcorp Genetics (formerly Invitae), Labcorp
Classification: Likely benign for Immunodeficiency 104. Last evaluated: 2026-01-24. Review status: criteria provided, single submitter. Criteria: Invitae Variant Classification Sherloc (09022015). Collection method: clinical testing. Allele origin: germline.

Mayo Clinic Laboratories, Mayo Clinic
Classification: Likely benign. Last evaluated: 2025-12-04. Review status: criteria provided, single submitter. Criteria: ACMG Guidelines, 2015. Collection method: clinical testing. Allele origin: germline. Observed: 1 variant allele.
Comment: BS1, BP4_moderate

Blueprint Genetics
Classification: Likely benign. Last evaluated: 2024-10-31. Review status: criteria provided, single submitter. Criteria: ACMG Guidelines, 2015. Collection method: clinical testing. Allele origin: germline.

Illumina Laboratory Services, Illumina
Classification: Uncertain significance for Immunodeficiency 104. Last evaluated: 2018-01-12. Review status: criteria provided, single submitter. Criteria: ICSL Variant Classification Criteria 13 December 2019. Collection method: clinical testing. Allele origin: germline.

NM_002185.5(IL7R):c.1316C>G (p.Thr439Ser)

Gene: IL7R (interleukin 7 receptor; plus strand). Cytogenetic location: 5p13.2.
Variant type: single nucleotide variant.
Coding change: c.1316C>G on transcript NM_002185.5 (MANE Select); coding-DNA position 1316, C replaced by G.
Protein change: p.Thr439Ser; replaces threonine 439 with serine.
Molecular consequence: missense variant. On other transcripts: non-coding transcript variant (1).
Genome position (GRCh38, 1-based): chr5:35,876,422, C>G. VCF-style: chr5-35876422-C-G. GRCh37 (hg19) VCF-style: chr5-35876524-C-G.
Other names: p.Thr439Ser; short protein forms T439S.
Identifiers: ClinVar variation 715277 (VCV000715277.18), dbSNP rs148931962, ClinGen allele CA3232231.